The following is an entry in ClinVar:

ClinVar aggregate classification (germline): Conflicting classifications of pathogenicity. Review status: criteria provided, conflicting classifications (1 of 4 stars). 5 submissions from 5 submitters: Uncertain significance (4); Likely benign (1). Last evaluated 2025-09-14.

Conditions:
WNK1-related disorder. Also called: WNK1-related condition.
Inborn genetic diseases. Identifiers: MedGen C0950123, MeSH D030342.
Neuropathy, hereditary sensory and autonomic, type 2A (HSAN2A). Also called: HSAN IIA; ACROOSTEOLYSIS, GIACCAI TYPE; ACROOSTEOLYSIS, NEUROGENIC; MORVAN DISEASE; NEUROPATHY, CONGENITAL SENSORY; NEUROPATHY, HEREDITARY SENSORY RADICULAR, AUTOSOMAL RECESSIVE. Identifiers: Orphanet 970, MedGen C2752089, MONDO:0024309, OMIM 201300.
Pseudohypoaldosteronism type 2C (PHA2C). Also called: Pseudohypoaldosteronism Type IIC. Identifiers: Orphanet 757, Orphanet 88940, MedGen C1840391, MONDO:0013778, OMIM 614492.

Allele frequency attached by ClinVar (database versions not stated): ExAC 0.00004; gnomAD exomes 0.00004 and 0.00010; TOPMed 0.00007; ESP Exome Variant Server 0.00008; gnomAD 0.00009.
gnomAD v4.1: 173 of 1,591,782 alleles (0.011%); highest among the groups gnomAD compares: Non-Finnish European, 0.013%; no homozygotes.

Submissions (5):

Labcorp Genetics (formerly Invitae), Labcorp
Classification: Uncertain significance for Neuropathy, hereditary sensory and autonomic, type 2A; Pseudohypoaldosteronism type 2C. Last evaluated: 2025-09-14. Review status: criteria provided, single submitter. Criteria: Invitae Variant Classification Sherloc (09022015). Collection method: clinical testing. Allele origin: germline.
Comment: This sequence change replaces threonine, which is neutral and polar, with isoleucine, which is neutral and non-polar, at codon 1982 of the WNK1 protein (p.Thr1982Ile). This variant is present in population databases (rs375562377, gnomAD 0.01%). This variant has not been reported in the literature in individuals affected with WNK1-related conditions. ClinVar contains an entry for this variant (Variation ID: 471194). Invitae Evidence Modeling of protein sequence and biophysical properties (such as structural, functional, and spatial information, amino acid conservation, physicochemical variation, residue mobility, and thermodynamic stability) indicates that this missense variant is not expected to disrupt WNK1 protein function with a negative predictive value of 95%. In summary, the available evidence is currently insufficient to determine the role of this variant in disease. Therefore, it has been classified as a Variant of Uncertain Significance.

PreventionGenetics, part of Exact Sciences
Classification: Uncertain significance for WNK1-related condition. Last evaluated: 2025-04-18. Review status: criteria provided, single submitter. Criteria: ACMG Guidelines, 2015. Collection method: clinical testing. Allele origin: germline.
Comment: The WNK1 c.5189C>T variant is predicted to result in the amino acid substitution p.Thr1730Ile. To our knowledge, this variant has not been reported in the literature. This variant is reported in 0.010% of alleles in individuals of European (non-Finnish) descent in gnomAD. At this time, the clinical significance of this variant is uncertain due to the absence of conclusive functional and genetic evidence.

Ambry Genetics
Classification: Uncertain significance for Inborn genetic diseases. Last evaluated: 2024-05-22. Review status: criteria provided, single submitter. Criteria: Ambry Variant Classification Scheme 2023. Collection method: clinical testing. Allele origin: germline.

Mayo Clinic Laboratories, Mayo Clinic
Classification: Uncertain significance. Last evaluated: 2022-08-03. Review status: criteria provided, single submitter. Criteria: ACMG Guidelines, 2015. Collection method: clinical testing. Allele origin: germline. Observed: 1 variant allele.
Comment: PM2

Illumina Laboratory Services, Illumina
Classification: Likely benign for Pseudohypoaldosteronism type 2C. Last evaluated: 2018-01-12. Review status: criteria provided, single submitter. Criteria: ICSL Variant Classification Criteria 13 December 2019. Collection method: clinical testing. Allele origin: germline.
Comment: This variant was observed in the ICSL laboratory as part of a predisposition screen in an ostensibly healthy population. It had not been previously curated by ICSL or reported in the Human Gene Mutation Database (HGMD: prior to June 1st, 2018), and was therefore a candidate for classification through an automated scoring system. Utilizing variant allele frequency, disease prevalence and penetrance estimates, and inheritance mode, an automated score was calculated to assess if this variant is too frequent to cause the disease. Based on the score and internal cut-off values, a variant classified as likely benign is not then subjected to further curation. The score for this variant resulted in a classification of likely benign for this disease.

NM_018979.4(WNK1):c.5189C>T (p.Thr1730Ile)

Gene: WNK1 (WNK lysine deficient protein kinase 1; plus strand). Cytogenetic location: 12p13.33.
Variant type: single nucleotide variant.
Coding change: c.5189C>T on transcript NM_018979.4 (MANE Select); coding-DNA position 5189, C replaced by T.
Protein change: p.Thr1730Ile; replaces threonine 1730 with isoleucine.
Molecular consequence: missense variant.
Genome position (GRCh38, 1-based): chr12:885,993, C>T. VCF-style: chr12-885993-C-T. GRCh37 (hg19) VCF-style: chr12-995159-C-T.
Other names: p.Thr1730Ile; c.5969C>T, p.Thr1990Ile (NM_001184985.2); c.4448C>T, p.Thr1483Ile (NM_014823.3); c.5945C>T, p.Thr1982Ile (NM_213655.5); short protein forms T1730I, T1982I, T1483I, T1990I.
Identifiers: ClinVar variation 471194 (VCV000471194.17), dbSNP rs375562377, ClinGen allele CA6383085.
Genomic context (GRCh38, chr12:885,993, plus strand): 5'-GCTTACCACCAACCAATTTACCACTAGGAACAGTTGCTTTGCCAGTTACACCAGTGGTCA[C>T]ACCTGGGCAAGTTTCTACCCCAGTCAGCACTACTACATCAGGAGTGAAACCTGGAACTGC-3'
Protein context (NP_061852.3, residues 1720-1740): TVALPVTPVV[Thr1730Ile]PGQVSTPVST